The following is an entry in ClinVar:

ClinVar aggregate classification (germline): Uncertain significance (1 of 4 stars; one submission).

Submission:

Labcorp Genetics (formerly Invitae), Labcorp
Classification: Uncertain significance. Last evaluated: 2021-07-21. Review status: criteria provided, single submitter. Criteria: Invitae Variant Classification Sherloc (09022015). Collection method: clinical testing. Allele origin: germline.
Comment: In summary, the available evidence is currently insufficient to determine the role of this variant in disease. Therefore, it has been classified as a Variant of Uncertain Significance. Advanced modeling of protein sequence and biophysical properties (such as structural, functional, and spatial information, amino acid conservation, physicochemical variation, residue mobility, and thermodynamic stability) performed at Invitae indicates that this missense variant is not expected to disrupt SLC12A6 protein function. This variant has not been reported in the literature in individuals affected with SLC12A6-related conditions. This variant is not present in population databases (ExAC no frequency). This sequence change replaces glycine with arginine at codon 470 of the SLC12A6 protein (p.Gly470Arg). The glycine residue is weakly conserved and there is a moderate physicochemical difference between glycine and arginine.

NM_001365088.1(SLC12A6):c.1408G>C (p.Gly470Arg)

Gene: SLC12A6 (solute carrier family 12 member 6; minus strand). Cytogenetic location: 15q14.
Variant type: single nucleotide variant.
Coding change: c.1408G>C on transcript NM_001365088.1 (MANE Select); coding-DNA position 1408, G replaced by C.
Protein change: p.Gly470Arg; replaces glycine 470 with arginine.
Molecular consequence: missense variant.
Genome position (GRCh38, 1-based): chr15:34,250,983, C>G on the plus strand (G>C on the coding strand, the complement: SLC12A6 is on the minus strand). VCF-style: chr15-34250983-C-G. GRCh37 (hg19) VCF-style: chr15-34543184-C-G.
Other names: c.1231G>C, p.Gly411Arg (NM_001042494.2, NM_001042495.2); c.1381G>C, p.Gly461Arg (NM_001042496.2); c.1363G>C, p.Gly455Arg (NM_001042497.2); c.1255G>C, p.Gly419Arg (NM_005135.2); c.1408G>C, p.Gly470Arg (NM_133647.2); short protein forms G411R, G470R, G419R, G455R, G461R.
Identifiers: ClinVar variation 1368723 (VCV001368723.8), dbSNP rs2140728706, ClinGen allele CA391606264.
Genomic context (GRCh38, chr15:34,250,983, plus strand): 5'-CCACCAGAAGCGTGAAGGAGGTGGTGATGTCAACAAGAACATATTCATGGTTTAAGCTGC[C>G]TAAGACATCAGAAGATTTGGCTGAAGGCTTTTCGATGATCTCTCCCTTGGGTAGGTAATT-3'
Protein context (NP_001352017.1, residues 460-480): KPSAKSSDVL[Gly470Arg]SLNHEYVLVD